The following is an entry in ClinVar:

NM_015909.4(NBAS):c.877G>A (p.Val293Ile)

Gene: NBAS (NBAS subunit of NRZ tethering complex; minus strand). Cytogenetic location: 2p24.3.
Variant type: single nucleotide variant.
Coding change: c.877G>A on transcript NM_015909.4 (MANE Select); coding-DNA position 877, G replaced by A.
Protein change: p.Val293Ile; replaces valine 293 with isoleucine.
Molecular consequence: missense variant. On other transcripts: non-coding transcript variant (1).
Genome position (GRCh38, 1-based): chr2:15,511,220, C>T on the plus strand (G>A on the coding strand, the complement: NBAS is on the minus strand). VCF-style: chr2-15511220-C-T. GRCh37 (hg19) VCF-style: chr2-15651344-C-T.
Other names: short protein forms V293I.
Identifiers: ClinVar variation 1386149 (VCV001386149.3), dbSNP rs1353268148, ClinGen allele CA345898354.

ClinVar aggregate classification (germline): Uncertain significance (1 of 4 stars; one submission).

Allele frequency attached by ClinVar (database versions not stated): gnomAD exomes 0.00001.

Submission:

Labcorp Genetics (formerly Invitae), Labcorp
Classification: Uncertain significance. Last evaluated: 2021-10-21. Review status: criteria provided, single submitter. Criteria: Invitae Variant Classification Sherloc (09022015). Collection method: clinical testing. Allele origin: germline.
Comment: This sequence change replaces valine with isoleucine at codon 293 of the NBAS protein (p.Val293Ile). The valine residue is highly conserved and there is a small physicochemical difference between valine and isoleucine. This variant is not present in population databases (ExAC no frequency). This variant has not been reported in the literature in individuals affected with NBAS-related conditions. Algorithms developed to predict the effect of missense changes on protein structure and function are either unavailable or do not agree on the potential impact of this missense change (SIFT: "Deleterious"; PolyPhen-2: "Benign"; Align-GVGD: "Class C25"). In summary, the available evidence is currently insufficient to determine the role of this variant in disease. Therefore, it has been classified as a Variant of Uncertain Significance.